The following is an entry in ClinVar:

NC_000005.9:g.(?_178413111)_(179263593_?)dup

Genes: ADAMTS2 (ADAM metallopeptidase with thrombospondin type 1 motif 2; minus strand), CANX (calnexin; plus strand), CBY3 (chibby family member 3; minus strand), GRM6 (glutamate metabotropic receptor 6; minus strand), HNRNPH1 (heterogeneous nuclear ribonucleoprotein H1; minus strand) and 8 more. Cytogenetic location: 5q35.3.
Variant type: Duplication.
Identifiers: ClinVar variation 2424787 (VCV002424787.4).

ClinVar aggregate classification (germline): Uncertain significance (1 of 4 stars; one submission).

Conditions:
Frontotemporal dementia and/or amyotrophic lateral sclerosis 1 (FTDALS1). Also called: Frontotemporal dementia with motor neuron disease 1; C9orf72 Frontotemporal Dementia and/or Amyotrophic Lateral Sclerosis. Identifiers: Orphanet 275872, MedGen C5779877, MONDO:0007105, OMIM 105550.
Paget disease of bone 2, early-onset (PDB2). Also called: Paget disease of bone 2. Identifiers: MedGen C4085251, MONDO:0011183, OMIM 602080.

Submission:

Labcorp Genetics (formerly Invitae), Labcorp
Classification: Uncertain significance for Paget disease of bone 2, early-onset; Frontotemporal dementia and/or amyotrophic lateral sclerosis 1. Last evaluated: 2022-10-09. Review status: criteria provided, single submitter. Criteria: Invitae Variant Classification Sherloc (09022015). Collection method: clinical testing. Allele origin: germline.
Comment: A copy number gain of the genomic region encompassing the full coding sequence of the SQSTM1 gene has been identified. The boundaries of this event are unknown as they extend beyond the assayed region for this gene and therefore may encompass additional genes. As the precise location of this event is unknown, it may be in tandem or it may be located elsewhere in the genome. Isolated whole-gene copy number gains of SQSTM1 have not been reported in the literature. However, larger copy number events that include this gene have been reported (PMID: 26925868). In summary, the available evidence is currently insufficient to determine the role of this variant in disease. Therefore, it has been classified as a Variant of Uncertain Significance.

Literature cited by the submitters: PubMed 26925868.